The following is an entry in ClinVar:

ClinVar aggregate classification (germline): Uncertain significance (1 of 4 stars; one submission).

Allele frequency attached by ClinVar (database versions not stated): gnomAD exomes below 0.00001; ExAC 0.00001.

Submission:

Labcorp Genetics (formerly Invitae), Labcorp
Classification: Uncertain significance. Last evaluated: 2021-10-12. Review status: criteria provided, single submitter. Criteria: Invitae Variant Classification Sherloc (09022015). Collection method: clinical testing. Allele origin: germline.
Comment: In summary, the available evidence is currently insufficient to determine the role of this variant in disease. Therefore, it has been classified as a Variant of Uncertain Significance. Algorithms developed to predict the effect of sequence changes on RNA splicing suggest that this variant may create or strengthen a splice site. Algorithms developed to predict the effect of missense changes on protein structure and function are either unavailable or do not agree on the potential impact of this missense change (SIFT: "Tolerated"; PolyPhen-2: "Probably Damaging"; Align-GVGD: "Class C0"). This variant has not been reported in the literature in individuals affected with SPEG-related conditions. The frequency data for this variant in the population databases is considered unreliable, as metrics indicate poor data quality at this position in the ExAC database. This sequence change replaces aspartic acid with glycine at codon 738 of the SPEG protein (p.Asp738Gly). The aspartic acid residue is highly conserved and there is a moderate physicochemical difference between aspartic acid and glycine.

NM_005876.5(SPEG):c.2213A>G (p.Asp738Gly)

Gene: SPEG (striated muscle enriched protein kinase; plus strand). Cytogenetic location: 2q35.
Variant type: single nucleotide variant.
Coding change: c.2213A>G on transcript NM_005876.5 (MANE Select); coding-DNA position 2213, A replaced by G.
Protein change: p.Asp738Gly; replaces aspartic acid 738 with glycine.
Molecular consequence: missense variant.
Genome position (GRCh38, 1-based): chr2:219,451,235, A>G. VCF-style: chr2-219451235-A-G. GRCh37 (hg19) VCF-style: chr2-220315957-A-G.
Other names: short protein forms D738G.
Identifiers: ClinVar variation 1386273 (VCV001386273.6), dbSNP rs777544998, ClinGen allele CA2125770.
Genomic context (GRCh38, chr2:219,451,235, plus strand): 5'-CCCTAGAGGCCCCTGTGTTTGAGATCCCCCTGCAGAATGTGGTGGTGGCACCAGGGGCAG[A>G]TGTGCTGCTCAAGTGTATCATCACTGCCAACCCCCCGCCCCAAGGTGAGCTCCAGCACTG-3'
Protein context (NP_005867.3, residues 728-748): LQNVVVAPGA[Asp738Gly]VLLKCIITAN